The following is an entry in ClinVar:

NM_000165.5(GJA1):c.1052A>G (p.His351Arg)

Gene: GJA1 (gap junction protein alpha 1; plus strand). Cytogenetic location: 6q22.31.
Variant type: single nucleotide variant.
Coding change: c.1052A>G on transcript NM_000165.5 (MANE Select); coding-DNA position 1052, A replaced by G.
Protein change: p.His351Arg; replaces histidine 351 with arginine.
Molecular consequence: missense variant.
Genome position (GRCh38, 1-based): chr6:121,447,899, A>G. VCF-style: chr6-121447899-A-G. GRCh37 (hg19) VCF-style: chr6-121769045-A-G.
Other names: short protein forms H351R.
Identifiers: ClinVar variation 4982144 (VCV004982144.1).

ClinVar aggregate classification (germline): Uncertain significance (1 of 4 stars; one submission).

Conditions:
GJA1-related disorder. Also called: GJA1-related condition.

Submission:

PreventionGenetics, part of Exact Sciences
Classification: Uncertain significance for GJA1-related condition. Last evaluated: 2026-04-16. Review status: criteria provided, single submitter. Criteria: ACMG Guidelines, 2015. Collection method: clinical testing. Allele origin: germline.
Comment: The GJA1 c.1052A>G variant is predicted to result in the amino acid substitution p.His351Arg. To our knowledge, this variant has not been reported in the literature or in a large population database (gnomAD), indicating this variant is rare. At this time, the clinical significance of this variant is uncertain due to the absence of conclusive functional and genetic evidence.